The following is an entry in ClinVar:

ClinVar aggregate classification (germline): Uncertain significance. Review status: criteria provided, multiple submitters, no conflicts (2 of 4 stars). 2 submissions from 2 submitters: Uncertain significance (2). Last evaluated 2025-09-08.

Conditions:
Familial cold autoinflammatory syndrome 3 (FCAS3). Also called: ANTIBODY DEFICIENCY AND IMMUNE DYSREGULATION, PLCG2-ASSOCIATED; FAMILIAL ATYPICAL COLD URTICARIA. Identifiers: Orphanet 300359, MedGen C3280914, MONDO:0013766, OMIM 614468.

Allele frequency attached by ClinVar (database versions not stated): gnomAD 0.00002; TOPMed 0.00002; gnomAD exomes 0.00005; ExAC 0.00010.
gnomAD v4.1: 32 of 1,611,884 alleles (0.002%); highest among the groups gnomAD compares: Non-Finnish European, 0.0025%; no homozygotes.

Submissions (2):

Labcorp Genetics (formerly Invitae), Labcorp
Classification: Uncertain significance for Familial cold autoinflammatory syndrome 3. Last evaluated: 2025-09-08. Review status: criteria provided, single submitter. Criteria: Invitae Variant Classification Sherloc (09022015). Collection method: clinical testing. Allele origin: germline.
Comment: This sequence change replaces glutamic acid, which is acidic and polar, with lysine, which is basic and polar, at codon 833 of the PLCG2 protein (p.Glu833Lys). This variant is present in population databases (rs753762025, gnomAD 0.01%). This variant has not been reported in the literature in individuals affected with PLCG2-related conditions. ClinVar contains an entry for this variant (Variation ID: 374715). An algorithm developed to predict the effect of missense changes on protein structure and function (PolyPhen-2) suggests that this variant is likely to be tolerated. In summary, the available evidence is currently insufficient to determine the role of this variant in disease. Therefore, it has been classified as a Variant of Uncertain Significance.

CeGaT Center for Human Genetics Tuebingen
Classification: Uncertain significance. Last evaluated: 2016-07-01. Review status: criteria provided, single submitter. Criteria: CeGaT Center For Human Genetics Tuebingen Variant Classification Criteria Version 2. Collection method: clinical testing. Allele origin: germline. Affected: yes. Observed: 1 variant allele.

NM_002661.5(PLCG2):c.2497G>A (p.Glu833Lys)

Gene: PLCG2 (phospholipase C gamma 2; plus strand). Cytogenetic location: 16q23.3.
Variant type: single nucleotide variant.
Coding change: c.2497G>A on transcript NM_002661.5 (MANE Select); coding-DNA position 2497, G replaced by A.
Protein change: p.Glu833Lys; replaces glutamic acid 833 with lysine.
Molecular consequence: missense variant.
Genome position (GRCh38, 1-based): chr16:81,927,161, G>A. VCF-style: chr16-81927161-G-A. GRCh37 (hg19) VCF-style: chr16-81960766-G-A.
Other names: short protein forms E833K.
Identifiers: ClinVar variation 374715 (VCV000374715.47), dbSNP rs753762025, ClinGen allele CA8194294.